The following is an entry in ClinVar:

ClinVar aggregate classification (germline): Uncertain significance. Review status: criteria provided, multiple submitters, no conflicts (2 of 4 stars). 2 submissions from 2 submitters: Uncertain significance (2). Last evaluated 2024-12-30.

Conditions:
Juvenile polyposis syndrome (JPS). Identifiers: Orphanet 2929, MedGen C0345893, MONDO:0017380, OMIM 174900.
Hereditary cancer-predisposing syndrome. Also called: Hereditary Cancer Syndrome; Hereditary neoplastic syndrome; Neoplastic Syndromes, Hereditary; Tumor predisposition. Identifiers: Orphanet 140162, MedGen C0027672, MeSH D009386, MONDO:0015356.
Familial thoracic aortic aneurysm and aortic dissection (TAAD). Also called: Thoracic aortic aneurysms and dissections. Identifiers: Orphanet 91387, MedGen C4707243, MONDO:0019625.

Submissions (2):

Labcorp Genetics (formerly Invitae), Labcorp
Classification: Uncertain significance for Juvenile polyposis syndrome. Last evaluated: 2024-12-30. Review status: criteria provided, single submitter. Criteria: Invitae Variant Classification Sherloc (09022015). Collection method: clinical testing. Allele origin: germline.
Comment: This sequence change replaces serine, which is neutral and polar, with isoleucine, which is neutral and non-polar, at codon 150 of the SMAD4 protein (p.Ser150Ile). This variant is not present in population databases (gnomAD no frequency). This variant has not been reported in the literature in individuals affected with SMAD4-related conditions. Invitae Evidence Modeling of protein sequence and biophysical properties (such as structural, functional, and spatial information, amino acid conservation, physicochemical variation, residue mobility, and thermodynamic stability) has been performed for this missense variant. However, the output from this modeling did not meet the statistical confidence thresholds required to predict the impact of this variant on SMAD4 protein function. In summary, the available evidence is currently insufficient to determine the role of this variant in disease. Therefore, it has been classified as a Variant of Uncertain Significance.

Ambry Genetics
Classification: Uncertain significance for Hereditary cancer-predisposing syndrome; Familial thoracic aortic aneurysm and aortic dissection. Last evaluated: 2024-12-02. Review status: criteria provided, single submitter. Criteria: Ambry Variant Classification Scheme 2023. Collection method: clinical testing. Allele origin: germline.
Comment: The p.S150I variant (also known as c.449G>T), located in coding exon 3 of the SMAD4 gene, results from a G to T substitution at nucleotide position 449. The serine at codon 150 is replaced by isoleucine, an amino acid with dissimilar properties. This amino acid position is conserved. In addition, the in silico prediction for this alteration is inconclusive. Based on the available evidence, the clinical significance of this variant remains unclear.

NM_005359.6(SMAD4):c.449G>T (p.Ser150Ile)

Gene: SMAD4 (SMAD family member 4; plus strand). Cytogenetic location: 18q21.2.
Variant type: single nucleotide variant.
Coding change: c.449G>T on transcript NM_005359.6 (MANE Select); coding-DNA position 449, G replaced by T.
Protein change: p.Ser150Ile; replaces serine 150 with isoleucine.
Molecular consequence: missense variant. On other transcripts: non-coding transcript variant (2).
Genome position (GRCh38, 1-based): chr18:51,049,319, G>T. VCF-style: chr18-51049319-G-T. GRCh37 (hg19) VCF-style: chr18-48575689-G-T.
Other names: c.449G>T, p.Ser150Ile (NM_001407042.1, NM_001407043.1, NM_001407041.1); short protein forms S150I.
Identifiers: ClinVar variation 3445884 (VCV003445884.3).